The following is an entry in ClinVar:

NM_000388.4(CASR):c.269A>G (p.Asn90Ser)

Gene: CASR (calcium sensing receptor; plus strand). Cytogenetic location: 3q21.1.
Variant type: single nucleotide variant.
Coding change: c.269A>G on transcript NM_000388.4 (MANE Select); coding-DNA position 269, A replaced by G.
Protein change: p.Asn90Ser; replaces asparagine 90 with serine.
Molecular consequence: missense variant.
Genome position (GRCh38, 1-based): chr3:122,257,164, A>G. VCF-style: chr3-122257164-A-G. GRCh37 (hg19) VCF-style: chr3-121976011-A-G.
Other names: c.269A>G, p.Asn90Ser (NM_001178065.2); short protein forms N90S.
Identifiers: ClinVar variation 2929548 (VCV002929548.3), dbSNP rs193922439, ClinGen allele CA354362529.

ClinVar aggregate classification (germline): Uncertain significance (1 of 4 stars; one submission).

Conditions:
Autosomal dominant hypocalcemia 1 (HYPOC1). Also called: HYPOCALCEMIA, FAMILIAL. Identifiers: MedGen C3715128, MONDO:0011013, OMIM 601198.
Familial hypocalciuric hypercalcemia (FHH). Also called: Familial benign hypercalcemia. Identifiers: Orphanet 405, MedGen C1809471, MONDO:0018458.

Submission:

Labcorp Genetics (formerly Invitae), Labcorp
Classification: Uncertain significance for Familial hypocalciuric hypercalcemia; Autosomal dominant hypocalcemia 1. Last evaluated: 2022-10-18. Review status: criteria provided, single submitter. Criteria: Invitae Variant Classification Sherloc (09022015). Collection method: clinical testing. Allele origin: germline.
Comment: This sequence change replaces asparagine, which is neutral and polar, with serine, which is neutral and polar, at codon 90 of the CASR protein (p.Asn90Ser). This variant is not present in population databases (gnomAD no frequency). This variant has not been reported in the literature in individuals affected with CASR-related conditions. Algorithms developed to predict the effect of missense changes on protein structure and function (SIFT, PolyPhen-2, Align-GVGD) all suggest that this variant is likely to be disruptive. In summary, the available evidence is currently insufficient to determine the role of this variant in disease. Therefore, it has been classified as a Variant of Uncertain Significance.